The following is an entry in ClinVar:

NM_001363118.2(SLC52A2):c.23G>A (p.Arg8His)

Gene: SLC52A2 (solute carrier family 52 member 2; plus strand). Cytogenetic location: 8q24.3.
Variant type: single nucleotide variant.
Coding change: c.23G>A on transcript NM_001363118.2 (MANE Select); coding-DNA position 23, G replaced by A.
Protein change: p.Arg8His; replaces arginine 8 with histidine.
Molecular consequence: missense variant. On other transcripts: non-coding transcript variant (1).
Genome position (GRCh38, 1-based): chr8:144,359,316, G>A. VCF-style: chr8-144359316-G-A. GRCh37 (hg19) VCF-style: chr8-145582976-G-A.
Other names: p.Arg8His; c.23G>A, p.Arg8His (NM_001253815.2, NM_001253816.2, NM_001363120.2 and 3 more transcripts); short protein forms R8H.
Identifiers: ClinVar variation 1308493 (VCV001308493.7), dbSNP rs781911494, ClinGen allele CA4938070.

ClinVar aggregate classification (germline): Uncertain significance. Review status: criteria provided, multiple submitters, no conflicts (2 of 4 stars). 3 submissions from 3 submitters: Uncertain significance (3). Last evaluated 2024-02-20.

Conditions:
Brown-Vialetto-van Laere syndrome 2. Also called: SPINOCEREBELLAR ATAXIA WITH BLINDNESS AND DEAFNESS 2; Riboflavin transporter deficiency type 2. Identifiers: Orphanet 572543, Orphanet 97229, MedGen C3553538, MONDO:0013867, OMIM 614707.

Allele frequency attached by ClinVar (database versions not stated): gnomAD 0.00001; ExAC 0.00002; TOPMed 0.00001.

Submissions (3):

Mayo Clinic Laboratories, Mayo Clinic
Classification: Uncertain significance. Last evaluated: 2024-02-20. Review status: criteria provided, single submitter. Criteria: ACMG Guidelines, 2015. Collection method: clinical testing. Allele origin: germline. Observed: 1 variant allele.
Comment: BP4

Labcorp Genetics (formerly Invitae), Labcorp
Classification: Uncertain significance for Brown-Vialetto-van Laere syndrome 2. Last evaluated: 2022-08-15. Review status: criteria provided, single submitter. Criteria: Invitae Variant Classification Sherloc (09022015). Collection method: clinical testing. Allele origin: germline.
Comment: This sequence change replaces arginine, which is basic and polar, with histidine, which is basic and polar, at codon 8 of the SLC52A2 protein (p.Arg8His). This variant is present in population databases (rs781911494, gnomAD 0.003%). This variant has not been reported in the literature in individuals affected with SLC52A2-related conditions. ClinVar contains an entry for this variant (Variation ID: 1308493). Advanced modeling of protein sequence and biophysical properties (such as structural, functional, and spatial information, amino acid conservation, physicochemical variation, residue mobility, and thermodynamic stability) performed at Invitae indicates that this missense variant is not expected to disrupt SLC52A2 protein function. In summary, the available evidence is currently insufficient to determine the role of this variant in disease. Therefore, it has been classified as a Variant of Uncertain Significance.

GeneDx
Classification: Uncertain significance. Last evaluated: 2019-03-29. Review status: criteria provided, single submitter. Criteria: GeneDx Variant Classification Process June 2021. Collection method: clinical testing. Allele origin: germline. Affected: yes.
Comment: Not observed at a significant frequency in large population cohorts (Lek et al., 2016); In silico analysis, which includes protein predictors and evolutionary conservation, supports that this variant does not alter protein structure/function; Has not been previously published as pathogenic or benign to our knowledge